The following is an entry in ClinVar:

ClinVar aggregate classification (germline): Uncertain significance (1 of 4 stars; one submission).

Submission:

Labcorp Genetics (formerly Invitae), Labcorp
Classification: Uncertain significance. Last evaluated: 2023-09-05. Review status: criteria provided, single submitter. Criteria: Invitae Variant Classification Sherloc (09022015). Collection method: clinical testing. Allele origin: germline.
Comment: In summary, the available evidence is currently insufficient to determine the role of this variant in disease. Therefore, it has been classified as a Variant of Uncertain Significance. An algorithm developed to predict the effect of missense changes on protein structure and function (PolyPhen-2) suggests that this variant is likely to be tolerated. This variant has not been reported in the literature in individuals affected with PRDM13-related conditions. This variant is not present in population databases (gnomAD no frequency). This sequence change replaces aspartic acid, which is acidic and polar, with asparagine, which is neutral and polar, at codon 260 of the PRDM13 protein (p.Asp260Asn).

NM_021620.4(PRDM13):c.778G>A (p.Asp260Asn)

Gene: PRDM13 (PR/SET domain 13; plus strand). Cytogenetic location: 6q16.2.
Variant type: single nucleotide variant.
Coding change: c.778G>A on transcript NM_021620.4 (MANE Select); coding-DNA position 778, G replaced by A.
Protein change: p.Asp260Asn; replaces aspartic acid 260 with asparagine.
Molecular consequence: missense variant.
Genome position (GRCh38, 1-based): chr6:99,613,413, G>A. VCF-style: chr6-99613413-G-A. GRCh37 (hg19) VCF-style: chr6-100061289-G-A.
Other names: short protein forms D260N.
Identifiers: ClinVar variation 2826410 (VCV002826410.3), dbSNP rs2538545133, ClinGen allele CA365116249.